The following is an entry in ClinVar:

NM_001024630.4(RUNX2):c.1271C>A (p.Pro424Gln)

Gene: RUNX2 (RUNX family transcription factor 2; plus strand). Cytogenetic location: 6p21.1.
Variant type: single nucleotide variant.
Coding change: c.1271C>A on transcript NM_001024630.4 (MANE Select); coding-DNA position 1271, C replaced by A.
Protein change: p.Pro424Gln; replaces proline 424 with glutamine.
Molecular consequence: missense variant.
Genome position (GRCh38, 1-based): chr6:45,547,010, C>A. VCF-style: chr6-45547010-C-A. GRCh37 (hg19) VCF-style: chr6-45514747-C-A.
Other names: c.1205C>A, p.Pro402Gln (NM_001015051.4); c.1163C>A, p.Pro388Gln (NM_001278478.2); c.1229C>A, p.Pro410Gln (NM_001369405.1, NM_004348.3); short protein forms P410Q, P388Q, P402Q, P424Q.
Identifiers: ClinVar variation 2906768 (VCV002906768.3), dbSNP rs1802420914, ClinGen allele CA363956865.

ClinVar aggregate classification (germline): Uncertain significance (1 of 4 stars; one submission).

Allele frequency attached by ClinVar (database versions not stated): TOPMed below 0.00001.
gnomAD v4.1: 1 of 1,614,094 alleles (0.000062%); highest among the groups gnomAD compares: Non-Finnish European, 0.000085%; no homozygotes.

Submission:

Labcorp Genetics (formerly Invitae), Labcorp
Classification: Uncertain significance. Last evaluated: 2025-10-02. Review status: criteria provided, single submitter. Criteria: Invitae Variant Classification Sherloc (09022015). Collection method: clinical testing. Allele origin: germline.
Comment: This sequence change replaces proline, which is neutral and non-polar, with glutamine, which is neutral and polar, at codon 424 of the RUNX2 protein (p.Pro424Gln). This variant is not present in population databases (gnomAD no frequency). This variant has not been reported in the literature in individuals affected with RUNX2-related conditions. ClinVar contains an entry for this variant (Variation ID: 2906768). Invitae Evidence Modeling of protein sequence and biophysical properties (such as structural, functional, and spatial information, amino acid conservation, physicochemical variation, residue mobility, and thermodynamic stability) indicates that this missense variant is not expected to disrupt RUNX2 protein function with a negative predictive value of 80%. In summary, the available evidence is currently insufficient to determine the role of this variant in disease. Therefore, it has been classified as a Variant of Uncertain Significance.